The following is an entry in ClinVar:

ClinVar aggregate classification (germline): Uncertain significance (1 of 4 stars; one submission).

Allele frequency attached by ClinVar (database versions not stated): TOPMed below 0.00001; gnomAD 0.00001.
gnomAD v4.1: 1 of 1,611,518 alleles (0.000062%); highest among the groups gnomAD compares: Non-Finnish European, 0.000085%; no homozygotes.

Submission:

Labcorp Genetics (formerly Invitae), Labcorp
Classification: Uncertain significance. Last evaluated: 2022-05-29. Review status: criteria provided, single submitter. Criteria: Invitae Variant Classification Sherloc (09022015). Collection method: clinical testing. Allele origin: germline.
Comment: Algorithms developed to predict the effect of missense changes on protein structure and function (SIFT, PolyPhen-2, Align-GVGD) all suggest that this variant is likely to be tolerated. This variant has not been reported in the literature in individuals affected with HMCN1-related conditions. This variant is present in population databases (no rsID available, gnomAD 0.007%). This sequence change replaces alanine, which is neutral and non-polar, with glycine, which is neutral and non-polar, at codon 1924 of the HMCN1 protein (p.Ala1924Gly). In summary, the available evidence is currently insufficient to determine the role of this variant in disease. Therefore, it has been classified as a Variant of Uncertain Significance.

NM_031935.3(HMCN1):c.5771C>G (p.Ala1924Gly)

Gene: HMCN1 (hemicentin 1; plus strand). Cytogenetic location: 1q31.1.
Variant type: single nucleotide variant.
Coding change: c.5771C>G on transcript NM_031935.3 (MANE Select); coding-DNA position 5771, C replaced by G.
Protein change: p.Ala1924Gly; replaces alanine 1924 with glycine.
Molecular consequence: missense variant.
Genome position (GRCh38, 1-based): chr1:186,037,955, C>G. VCF-style: chr1-186037955-C-G. GRCh37 (hg19) VCF-style: chr1-186007087-C-G.
Other names: short protein forms A1924G.
Identifiers: ClinVar variation 1957455 (VCV001957455.5), dbSNP rs1371853709, ClinGen allele CA343897952.